The following is an entry in ClinVar:

NM_000141.5(FGFR2):c.287G>A (p.Gly96Asp)

Gene: FGFR2 (fibroblast growth factor receptor 2; minus strand). Cytogenetic location: 10q26.13.
Variant type: single nucleotide variant.
Coding change: c.287G>A on transcript NM_000141.5 (MANE Select); coding-DNA position 287, G replaced by A.
Protein change: p.Gly96Asp; replaces glycine 96 with aspartic acid.
Molecular consequence: missense variant. On other transcripts: intron variant (9).
Genome position (GRCh38, 1-based): chr10:121,565,527, C>T on the plus strand (G>A on the coding strand, the complement: FGFR2 is on the minus strand). VCF-style: chr10-121565527-C-T. GRCh37 (hg19) VCF-style: chr10-123325041-C-T.
Other names: c.287G>A, p.Gly96Asp (NM_001144913.1, NM_001144914.1, NM_001144917.2 and 3 more transcripts); c.110-14068G>A (NM_001144918.2, NM_001441091.1, NM_001441090.1 and 1 more transcripts); c.110-948G>A (NM_001441089.1, NM_023029.3, NM_001441088.1 and 2 more transcripts); short protein forms G96D.
Identifiers: ClinVar variation 1316125 (VCV001316125.9), dbSNP rs1277734487, ClinGen allele CA378324894.

ClinVar aggregate classification (germline): Uncertain significance. Review status: criteria provided, multiple submitters, no conflicts (2 of 4 stars). 4 submissions from 4 submitters: Uncertain significance (4). Last evaluated 2025-03-26.

Conditions:
Inborn genetic diseases. Identifiers: MedGen C0950123, MeSH D030342.
Acrocephalosyndactyly type I (ACS1). Also called: Apert syndrome; Acrocephalo-syndactyly type 1; ACS 1; Syndactylic oxycephaly. Identifiers: Orphanet 87, MedGen C0001193, MONDO:0007041, OMIM 101200.
Levy-Hollister syndrome (LADD). Also called: LADD syndrome. Identifiers: Orphanet 2363, MedGen C0265269, MONDO:0007872.
Jackson-Weiss syndrome (JWS). Also called: CRANIOSYNOSTOSIS, MIDFACIAL HYPOPLASIA, AND FOOT ABNORMALITIES. Identifiers: Orphanet 1540, MedGen C0795998, MONDO:0007400, OMIM 123150. Disease mechanism: loss of function.
Crouzon syndrome. Also called: Craniofacial dysostosis; Craniofacial dysostosis type 1; Crouzon craniofacial dysostosis; Crouzon disease; CRANIOFACIAL DYSOSTOSIS, TYPE I. Identifiers: Orphanet 207, MedGen C0010273, MeSH D003394, MONDO:0007405, OMIM 123500, HP:0004439.
Bent bone dysplasia syndrome 1 (BBDS1). Also called: FGFR2-related bent bone dysplasia. Identifiers: Orphanet 313855, MedGen C3281247, MONDO:0013815, OMIM 614592.
Gastric cancer. Also called: Malignant tumor of stomach; Stomach cancer. Identifiers: MedGen C0024623, MeSH D013274, MONDO:0001056, OMIM 613659, HP:0012126.
Beare-Stevenson cutis gyrata syndrome (BSTVS). Identifiers: Orphanet 1555, MedGen C1852406, MONDO:0007412, OMIM 123790.
Pfeiffer syndrome (ACS5). Also called: ACS V. Identifiers: Orphanet 710, MedGen C0220658, MONDO:0007043, OMIM 101600.
Antley-Bixler syndrome without genital anomalies or disordered steroidogenesis (ABS2). Also called: Trapezoidocephaly synostosis syndrome; Osteodysgenesis, multisynostotic with fractures; Antley-Bixler Syndrome, Autosomal Dominant; MULTISYNOSTOTIC OSTEODYSGENESIS WITH LONG BONE FRACTURES. Identifiers: Orphanet 596008, Orphanet 83, MedGen C2936791, MONDO:0020667, OMIM 207410.
Saethre-Chotzen syndrome (SCS). Also called: ACROCEPHALY, SKULL ASYMMETRY, AND MILD SYNDACTYLY; ACS III; CHOTZEN SYNDROME. Identifiers: Orphanet 794, MedGen C0175699, MONDO:0007042, OMIM 101400.
Familial scaphocephaly syndrome, McGillivray type. Also called: SCAPHOCEPHALY, MAXILLARY RETRUSION, AND IMPAIRED INTELLECTUAL DEVELOPMENT. Identifiers: Orphanet 168624, MedGen C1865070, MONDO:0012307, OMIM 609579.
FGFR2-related craniosynostosis. Identifiers: MedGen CN231480.

gnomAD v4.1: 3 of 1,614,080 alleles (0.00019%); highest among the groups gnomAD compares: Admixed American, 0.005%; no homozygotes.

Submissions (4):

Ambry Genetics
Classification: Uncertain significance for Inborn genetic diseases. Last evaluated: 2025-03-26. Review status: criteria provided, single submitter. Criteria: Ambry Variant Classification Scheme 2023. Collection method: clinical testing. Allele origin: germline.

Labcorp Genetics (formerly Invitae), Labcorp
Classification: Uncertain significance for FGFR2-related craniosynostosis. Last evaluated: 2024-11-05. Review status: criteria provided, single submitter. Criteria: Invitae Variant Classification Sherloc (09022015). Collection method: clinical testing. Allele origin: germline.
Comment: This sequence change replaces glycine, which is neutral and non-polar, with aspartic acid, which is acidic and polar, at codon 96 of the FGFR2 protein (p.Gly96Asp). This variant is not present in population databases (gnomAD no frequency). This variant has not been reported in the literature in individuals affected with FGFR2-related conditions. ClinVar contains an entry for this variant (Variation ID: 1316125). Invitae Evidence Modeling of protein sequence and biophysical properties (such as structural, functional, and spatial information, amino acid conservation, physicochemical variation, residue mobility, and thermodynamic stability) indicates that this missense variant is not expected to disrupt FGFR2 protein function with a negative predictive value of 95%. In summary, the available evidence is currently insufficient to determine the role of this variant in disease. Therefore, it has been classified as a Variant of Uncertain Significance.

Fulgent Genetics
Classification: Uncertain significance for Acrocephalosyndactyly type I; Saethre-Chotzen syndrome; Pfeiffer syndrome; Jackson-Weiss syndrome; Crouzon syndrome; Beare-Stevenson cutis gyrata syndrome; LADD syndrome 1; Antley-Bixler syndrome without genital anomalies or disordered steroidogenesis; Familial scaphocephaly syndrome, McGillivray type; Gastric cancer; Bent bone dysplasia syndrome 1. Last evaluated: 2022-05-11. Review status: criteria provided, single submitter. Criteria: ACMG Guidelines, 2015. Collection method: clinical testing. Allele origin: unknown.

GeneDx
Classification: Uncertain significance. Last evaluated: 2021-04-16. Review status: criteria provided, single submitter. Criteria: GeneDx Variant Classification Process June 2021. Collection method: clinical testing. Allele origin: germline. Affected: yes.
Comment: Not observed at significant frequency in large population cohorts (Lek et al., 2016); In silico analysis supports that this missense variant does not alter protein structure/function; Has not been previously published as pathogenic or benign to our knowledge; This variant is associated with the following publications: (PMID: 27535533)